The following is an entry in ClinVar:

ClinVar aggregate classification (germline): Uncertain significance (1 of 4 stars; one submission).

Allele frequency attached by ClinVar (database versions not stated): gnomAD exomes below 0.00001; TOPMed below 0.00001; gnomAD 0.00001.

Submission:

Labcorp Genetics (formerly Invitae), Labcorp
Classification: Uncertain significance. Last evaluated: 2023-05-22. Review status: criteria provided, single submitter. Criteria: Invitae Variant Classification Sherloc (09022015). Collection method: clinical testing. Allele origin: germline.
Comment: In summary, the available evidence is currently insufficient to determine the role of this variant in disease. Therefore, it has been classified as a Variant of Uncertain Significance. An algorithm developed to predict the effect of missense changes on protein structure and function (PolyPhen-2) suggests that this variant is likely to be tolerated. ClinVar contains an entry for this variant (Variation ID: 1902790). This variant has not been reported in the literature in individuals affected with HYOU1-related conditions. This variant is not present in population databases (gnomAD no frequency). This sequence change replaces glycine, which is neutral and non-polar, with glutamic acid, which is acidic and polar, at codon 504 of the HYOU1 protein (p.Gly504Glu).

NM_006389.5(HYOU1):c.1511G>A (p.Gly504Glu)

Gene: HYOU1 (hypoxia up-regulated 1; minus strand). Cytogenetic location: 11q23.3.
Variant type: single nucleotide variant.
Coding change: c.1511G>A on transcript NM_006389.5 (MANE Select); coding-DNA position 1511, G replaced by A.
Protein change: p.Gly504Glu; replaces glycine 504 with glutamic acid.
Molecular consequence: missense variant.
Genome position (GRCh38, 1-based): chr11:119,051,453, C>T on the plus strand (G>A on the coding strand, the complement: HYOU1 is on the minus strand). VCF-style: chr11-119051453-C-T. GRCh37 (hg19) VCF-style: chr11-118922165-C-T.
Other names: c.1511G>A, p.Gly504Glu (NM_001130991.3, NM_001411041.1); short protein forms G504E.
Identifiers: ClinVar variation 1902790 (VCV001902790.5), dbSNP rs909568986, ClinGen allele CA229621771.